The following is an entry in ClinVar:

ClinVar aggregate classification (germline): Benign/Likely benign. Review status: criteria provided, multiple submitters, no conflicts (2 of 4 stars). 3 submissions from 3 submitters: Benign (2); Likely benign (1). Last evaluated 2026-09-01.

Allele frequency attached by ClinVar (database versions not stated): 1000 Genomes Project 30x 0.00141; 1000 Genomes Project 0.00160; TOPMed 0.00347; gnomAD 0.00373 and 0.00382; ESP Exome Variant Server 0.00380; gnomAD exomes 0.00390 and 0.00570; ExAC 0.00429.
gnomAD v4.1: 8,793 of 1,610,334 alleles (0.55%); highest among the groups gnomAD compares: Non-Finnish European, 0.68%; 29 homozygotes.

Submissions (3):

CeGaT Center for Human Genetics Tuebingen
Classification: Likely benign. Last evaluated: 2026-09-01. Review status: criteria provided, single submitter. Criteria: CeGaT Center For Human Genetics Tuebingen Variant Classification Criteria Version 2. Collection method: clinical testing. Allele origin: germline. Affected: yes. Observed: 2 variant alleles.
Comment: PML: BP4, BP7, BS2

Labcorp Genetics (formerly Invitae), Labcorp
Classification: Benign. Last evaluated: 2018-06-28. Review status: criteria provided, single submitter. Criteria: Invitae Variant Classification Sherloc (09022015). Collection method: clinical testing. Allele origin: germline.

Breakthrough Genomics
Classification: Benign. Review status: criteria provided, single submitter. Criteria: ACMG Guidelines, 2015. Collection method: not provided. Allele origin: germline. Inheritance: Unknown mechanism. Affected: yes.

NM_033238.3(PML):c.2373C>G (p.Pro791=)

Gene: PML (PML nuclear body scaffold; plus strand). Cytogenetic location: 15q24.1.
Variant type: single nucleotide variant.
Coding change: c.2373C>G on transcript NM_033238.3 (MANE Select); coding-DNA position 2373, C replaced by G.
Protein change: p.Pro791=; no amino-acid change (proline 791 retained).
Molecular consequence: synonymous variant.
Genome position (GRCh38, 1-based): chr15:74,044,732, C>G. VCF-style: chr15-74044732-C-G. GRCh37 (hg19) VCF-style: chr15-74337073-C-G.
Identifiers: ClinVar variation 783060 (VCV000783060.28), dbSNP rs61751124, ClinGen allele CA7653129.